The following is an entry in ClinVar:

ClinVar aggregate classification (germline): Uncertain significance (1 of 4 stars; one submission).

Allele frequency attached by ClinVar (database versions not stated): gnomAD exomes below 0.00001.
gnomAD v4.1: 1 of 1,614,180 alleles (0.000062%); no homozygotes.

Submission:

GeneDx
Classification: Uncertain significance. Last evaluated: 2026-10-15. Review status: criteria provided, single submitter. Criteria: GeneDx Variant Classification Process June 2021. Collection method: clinical testing. Allele origin: germline.
Comment: In silico analysis supports that this missense variant has a deleterious effect on protein structure/function; This variant is associated with the following publications: (PMID: 33057194, 35982159)

NM_022455.5(NSD1):c.5842C>T (p.Arg1948Cys)

Gene: NSD1 (nuclear receptor binding SET domain protein 1; plus strand). Cytogenetic location: 5q35.3.
Variant type: single nucleotide variant.
Coding change: c.5842C>T on transcript NM_022455.5 (MANE Select); coding-DNA position 5842, C replaced by T.
Protein change: p.Arg1948Cys; replaces arginine 1948 with cysteine.
Molecular consequence: missense variant.
Genome position (GRCh38, 1-based): chr5:177,280,784, C>T. VCF-style: chr5-177280784-C-T. GRCh37 (hg19) VCF-style: chr5-176707785-C-T.
Other names: c.5422C>T, p.Arg1808Cys (NM_001409304.1); c.5089C>T, p.Arg1697Cys (NM_001409305.1); c.5080C>T, p.Arg1694Cys (NM_001409306.1, NM_001409307.1); c.4969C>T, p.Arg1657Cys (NM_001409308.1, NM_001409309.1, NM_172349.5 and 1 more transcripts); c.5842C>T, p.Arg1948Cys (NM_001409301.1, NM_001409302.1, NM_001409303.1); short protein forms R1948C, R1679C, R1697C, R1808C, R1657C, R1694C.
Identifiers: ClinVar variation 280800 (VCV000280800.8), dbSNP rs886041941, ClinGen allele CA10602919.